The following is an entry in ClinVar:

NM_022765.4(MICAL1):c.127G>C (p.Gly43Arg)

Gene: MICAL1 (microtubule associated monooxygenase, calponin and LIM domain containing 1; minus strand). Cytogenetic location: 6q21.
Variant type: single nucleotide variant.
Coding change: c.127G>C on transcript NM_022765.4 (MANE Select); coding-DNA position 127, G replaced by C.
Protein change: p.Gly43Arg; replaces glycine 43 with arginine.
Molecular consequence: missense variant.
Genome position (GRCh38, 1-based): chr6:109,454,070, C>G on the plus strand (G>C on the coding strand, the complement: MICAL1 is on the minus strand). VCF-style: chr6-109454070-C-G. GRCh37 (hg19) VCF-style: chr6-109775273-C-G.
Other names: c.127G>C, p.Gly43Arg (NM_001159291.2); c.184G>C, p.Gly62Arg (NM_001286613.2); short protein forms G43R, G62R.
Identifiers: ClinVar variation 1903056 (VCV001903056.6), dbSNP rs758036265, ClinGen allele CA3953890.

ClinVar aggregate classification (germline): Uncertain significance. Review status: criteria provided, multiple submitters, no conflicts (2 of 4 stars). 2 submissions from 2 submitters: Uncertain significance (2). Last evaluated 2025-04-27.

Allele frequency attached by ClinVar (database versions not stated): ExAC 0.00001.
gnomAD v4.1: 36 of 1,614,006 alleles (0.0022%); highest among the groups gnomAD compares: East Asian, 0.047%; no homozygotes.

Submissions (2):

Labcorp Genetics (formerly Invitae), Labcorp
Classification: Uncertain significance. Last evaluated: 2025-04-27. Review status: criteria provided, single submitter. Criteria: Invitae Variant Classification Sherloc (09022015). Collection method: clinical testing. Allele origin: germline.
Comment: This sequence change replaces glycine, which is neutral and non-polar, with arginine, which is basic and polar, at codon 62 of the MICAL1 protein (p.Gly62Arg). This variant is present in population databases (rs758036265, gnomAD 0.005%). This variant has not been reported in the literature in individuals affected with MICAL1-related conditions. ClinVar contains an entry for this variant (Variation ID: 1903056). An algorithm developed to predict the effect of missense changes on protein structure and function (PolyPhen-2) suggests that this variant is likely to be tolerated. In summary, the available evidence is currently insufficient to determine the role of this variant in disease. Therefore, it has been classified as a Variant of Uncertain Significance.

Ambry Genetics
Classification: Uncertain significance. Last evaluated: 2022-11-10. Review status: criteria provided, single submitter. Criteria: Ambry Variant Classification Scheme 2023. Collection method: clinical testing. Allele origin: germline.